The following is an entry in ClinVar:

ClinVar aggregate classification (germline): Uncertain significance (1 of 4 stars; one submission).

Allele frequency attached by ClinVar (database versions not stated): TOPMed below 0.00001; gnomAD exomes below 0.00001.
gnomAD v4.1: 2 of 1,612,760 alleles (0.00012%); highest among the groups gnomAD compares: Admixed American, 0.0017%; no homozygotes.

Submission:

Labcorp Genetics (formerly Invitae), Labcorp
Classification: Uncertain significance. Last evaluated: 2023-06-02. Review status: criteria provided, single submitter. Criteria: Invitae Variant Classification Sherloc (09022015). Collection method: clinical testing. Allele origin: germline.
Comment: An algorithm developed to predict the effect of missense changes on protein structure and function (PolyPhen-2) suggests that this variant¬†is likely to be tolerated. ClinVar contains an entry for this variant (Variation ID: 1373430). This variant has not been reported in the literature in individuals affected with USH1C-related conditions. In summary, the available evidence is currently insufficient to determine the role of this variant in disease. Therefore, it has been classified as a Variant of Uncertain Significance. This sequence change replaces alanine, which is neutral and non-polar, with threonine, which is neutral and polar, at codon 305 of the USH1C protein (p.Ala305Thr). This variant is present in population databases (no rsID available, gnomAD 0.003%).

NM_153676.4(USH1C):c.913G>A (p.Ala305Thr)

Gene: USH1C (USH1 protein network component harmonin; minus strand). Cytogenetic location: 11p15.1.
Variant type: single nucleotide variant.
Coding change: c.913G>A on transcript NM_153676.4 (MANE Select); coding-DNA position 913, G replaced by A.
Protein change: p.Ala305Thr; replaces alanine 305 with threonine.
Molecular consequence: missense variant. On other transcripts: non-coding transcript variant (1).
Genome position (GRCh38, 1-based): chr11:17,522,890, C>T on the plus strand (G>A on the coding strand, the complement: USH1C is on the minus strand). VCF-style: chr11-17522890-C-T. GRCh37 (hg19) VCF-style: chr11-17544437-C-T.
Other names: c.856G>A, p.Ala286Thr (NM_001297764.2); c.913G>A, p.Ala305Thr (NM_005709.4); short protein forms A286T, A305T.
Identifiers: ClinVar variation 1373430 (VCV001373430.5), dbSNP rs1187754133, ClinGen allele CA379788092.